The following is an entry in ClinVar:

ClinVar aggregate classification (germline): Uncertain significance (1 of 4 stars; one submission).

Conditions:
Primary ciliary dyskinesia. Also called: Ciliary dyskinesia. Identifiers: Orphanet 244, MedGen C0008780, MONDO:0016575, HP:0012265.

Submission:

Labcorp Genetics (formerly Invitae), Labcorp
Classification: Uncertain significance for Primary ciliary dyskinesia. Last evaluated: 2022-05-09. Review status: criteria provided, single submitter. Criteria: Invitae Variant Classification Sherloc (09022015). Collection method: clinical testing. Allele origin: germline.
Comment: In summary, the available evidence is currently insufficient to determine the role of this variant in disease. Therefore, it has been classified as a Variant of Uncertain Significance. Experimental studies and prediction algorithms are not available or were not evaluated, and the functional significance of this variant is currently unknown. This variant has not been reported in the literature in individuals affected with RPGR (ORF15)-related conditions. This variant is not present in population databases (gnomAD no frequency). This sequence change replaces glycine, which is neutral and non-polar, with arginine, which is basic and polar, at codon 885 of the RPGR (ORF15) protein (p.Gly885Arg).

NM_001034853.2(RPGR):c.2653G>A (p.Gly885Arg)

Gene: RPGR (retinitis pigmentosa GTPase regulator; minus strand). Cytogenetic location: Xp11.4.
Variant type: single nucleotide variant.
Coding change: c.2653G>A on transcript NM_001034853.2 (MANE Select); coding-DNA position 2653, G replaced by A.
Protein change: p.Gly885Arg; replaces glycine 885 with arginine.
Molecular consequence: missense variant. On other transcripts: intron variant (8).
Genome position (GRCh38, 1-based): chrX:38,286,346, C>T on the plus strand (G>A on the coding strand, the complement: RPGR is on the minus strand). VCF-style: chrX-38286346-C-T. GRCh37 (hg19) VCF-style: chrX-38145599-C-T.
Other names: c.1569+4613G>A (NM_001367249.1, NM_001367250.1); c.1902+748G>A (NM_001367245.1); c.1386+4613G>A (NM_001367251.1); c.1719+748G>A (NM_001367246.1); c.1572+4613G>A (NM_001367247.1); c.1905+748G>A (NM_000328.3); c.1602+4613G>A (NM_001367248.1); short protein forms G885R.
Identifiers: ClinVar variation 2417177 (VCV002417177.14), dbSNP rs2067164307, ClinGen allele CA412730117.